The following is an entry in ClinVar:

NM_001365536.1(SCN9A):c.2277A>T (p.Leu759Phe)

Genes: SCN9A (sodium voltage-gated channel alpha subunit 9; minus strand), SCN1A-AS1 (SCN1A and SCN9A antisense RNA 1; plus strand). Cytogenetic location: 2q24.3.
Variant type: single nucleotide variant.
Coding change: c.2277A>T on transcript NM_001365536.1 (MANE Select); coding-DNA position 2277, A replaced by T.
Protein change: p.Leu759Phe; replaces leucine 759 with phenylalanine.
Molecular consequence: missense variant.
Genome position (GRCh38, 1-based): chr2:166,280,423, T>A on the plus strand (A>T on the coding strand, the complement: SCN9A is on the minus strand). VCF-style: chr2-166280423-T-A. GRCh37 (hg19) VCF-style: chr2-167136933-T-A.
Other names: c.2244A>T, p.Leu748Phe (NM_002977.4); short protein forms L748F, L759F.
Identifiers: ClinVar variation 1470761 (VCV001470761.8), dbSNP rs201650761, ClinGen allele CA349079571.

ClinVar aggregate classification (germline): Uncertain significance (1 of 4 stars; one submission).

Conditions:
Neuropathy, hereditary sensory and autonomic, type 2A (HSAN2A). Also called: WNK1-Related HSAN2 (HSAN2A); ACROOSTEOLYSIS, GIACCAI TYPE; ACROOSTEOLYSIS, NEUROGENIC; HSAN IIA; MORVAN DISEASE; NEUROPATHY, CONGENITAL SENSORY. Identifiers: Orphanet 970, MedGen C2752089, MONDO:0024309, OMIM 201300.
Generalized epilepsy with febrile seizures plus, type 7 (GEFSP7). Also called: GEFS+, TYPE 7. Identifiers: Orphanet 36387, MedGen C2751778, MONDO:0013470, OMIM 613863.

Submission:

Labcorp Genetics (formerly Invitae), Labcorp
Classification: Uncertain significance for Neuropathy, hereditary sensory and autonomic, type 2A; Generalized epilepsy with febrile seizures plus, type 7. Last evaluated: 2024-04-11. Review status: criteria provided, single submitter. Criteria: Invitae Variant Classification Sherloc (09022015). Collection method: clinical testing. Allele origin: germline.
Comment: This sequence change replaces leucine, which is neutral and non-polar, with phenylalanine, which is neutral and non-polar, at codon 748 of the SCN9A protein (p.Leu748Phe). This variant is not present in population databases (gnomAD no frequency). This variant has not been reported in the literature in individuals affected with SCN9A-related conditions. ClinVar contains an entry for this variant (Variation ID: 1470761). Advanced modeling of protein sequence and biophysical properties (such as structural, functional, and spatial information, amino acid conservation, physicochemical variation, residue mobility, and thermodynamic stability) performed at Invitae indicates that this missense variant is not expected to disrupt SCN9A protein function with a negative predictive value of 95%. In summary, the available evidence is currently insufficient to determine the role of this variant in disease. Therefore, it has been classified as a Variant of Uncertain Significance.